The following is an entry in ClinVar:

ClinVar aggregate classification (germline): Uncertain significance (1 of 4 stars; one submission).

Submission:

GeneDx
Classification: Uncertain significance. Last evaluated: 2025-07-05. Review status: criteria provided, single submitter. Criteria: GeneDx Variant Classification Process June 2021. Collection method: clinical testing. Allele origin: germline. Affected: yes.
Comment: Not observed at significant frequency in large population cohorts (gnomAD); In silico analysis suggests that this missense variant does not alter protein structure/function; Has not been previously published as pathogenic or benign to our knowledge

NM_153252.5(BRWD3):c.3172A>G (p.Ile1058Val)

Gene: BRWD3 (bromodomain and WD repeat domain containing 3; minus strand). Cytogenetic location: Xq21.1.
Variant type: single nucleotide variant.
Coding change: c.3172A>G on transcript NM_153252.5 (MANE Select); coding-DNA position 3172, A replaced by G.
Protein change: p.Ile1058Val; replaces isoleucine 1058 with valine.
Molecular consequence: missense variant.
Genome position (GRCh38, 1-based): chrX:80,693,031, T>C on the plus strand (A>G on the coding strand, the complement: BRWD3 is on the minus strand). VCF-style: chrX-80693031-T-C. GRCh37 (hg19) VCF-style: chrX-79948530-T-C.
Other names: c.3022A>G, p.Ile1008Val (NM_001441339.1); short protein forms I1008V, I1058V.
Identifiers: ClinVar variation 4681166 (VCV004681166.1).